The following is an entry in ClinVar:

ClinVar aggregate classification (germline): Uncertain significance (1 of 4 stars; one submission).

Conditions:
PDE6B-related disorder. Also called: PDE6B-related disorders; PDE6B-related disease; PDE6B-related condition.

gnomAD v4.1: 2 of 1,613,256 alleles (0.00012%); highest among the groups gnomAD compares: African/African-American, 0.0027%; no homozygotes.

Submission:

PreventionGenetics, part of Exact Sciences
Classification: Uncertain significance for PDE6B-related condition. Last evaluated: 2026-07-14. Review status: criteria provided, single submitter. Criteria: ACMG Guidelines, 2015. Collection method: clinical testing. Allele origin: germline.
Comment: The PDE6B c.1366G>C variant is predicted to result in the amino acid substitution p.Val456Leu. To our knowledge, this variant has not been reported in the literature or in a large population database (gnomAD), indicating this variant is rare. At this time, the clinical significance of this variant is uncertain due to the absence of conclusive functional and genetic evidence.

NM_000283.4(PDE6B):c.1366G>C (p.Val456Leu)

Gene: PDE6B (phosphodiesterase 6B; plus strand). Cytogenetic location: 4p16.3.
Variant type: single nucleotide variant.
Coding change: c.1366G>C on transcript NM_000283.4 (MANE Select); coding-DNA position 1366, G replaced by C.
Protein change: p.Val456Leu; replaces valine 456 with leucine.
Molecular consequence: missense variant.
Genome position (GRCh38, 1-based): chr4:657,459, G>C. VCF-style: chr4-657459-G-C. GRCh37 (hg19) VCF-style: chr4-651248-G-C.
Other names: c.1366G>C, p.Val456Leu (NM_001145291.2, NM_001440547.1, NM_001440548.1); c.529G>C, p.Val177Leu (NM_001145292.2, NM_001350154.3, NM_001379246.1 and 1 more transcripts); c.211G>C, p.Val71Leu (NM_001350155.3); short protein forms V456L, V177L, V71L.
Identifiers: ClinVar variation 4988895 (VCV004988895.1).